The following is an entry in ClinVar:

ClinVar aggregate classification (germline): Pathogenic (1 of 4 stars; one submission).

Conditions:
Mucopolysaccharidosis, MPS-IV-A (MPS4A). Also called: Morquio syndrome A, mild; MORQUIO SYNDROME A; GALACTOSAMINE-6-SULFATASE DEFICIENCY; GALNS DEFICIENCY; MORQUIO A DISEASE; Mucopolysaccharidosis type IV A. Identifiers: Orphanet 309297, Orphanet 582, MedGen C0086651, MONDO:0009659, OMIM 253000.

Submission:

Labcorp Genetics (formerly Invitae), Labcorp
Classification: Pathogenic for Mucopolysaccharidosis, MPS-IV-A. Last evaluated: 2024-01-17. Review status: criteria provided, single submitter. Criteria: Invitae Variant Classification Sherloc (09022015). Collection method: clinical testing. Allele origin: germline.
Comment: This sequence change creates a premature translational stop signal (p.Gly300Valfs*19) in the GALNS gene. It is expected to result in an absent or disrupted protein product. Loss-of-function variants in GALNS are known to be pathogenic (PMID: 12442278). This variant is not present in population databases (gnomAD no frequency). This variant has not been reported in the literature in individuals affected with GALNS-related conditions. ClinVar contains an entry for this variant (Variation ID: 1379269). Algorithms developed to predict the effect of sequence changes on RNA splicing suggest that this variant may disrupt the consensus splice site. For these reasons, this variant has been classified as Pathogenic.

Literature cited by the submitters: PubMed 12442278.

NC_000016.10:g.88832102del

Gene: GALNS (galactosamine (N-acetyl)-6-sulfatase; minus strand). Cytogenetic location: 16q24.3.
Variant type: Deletion.
Genome position: GRCh38 VCF-style: chr16-88832100-AC-A. GRCh37 (hg19) VCF-style: chr16-88898508-AC-A.
Identifiers: ClinVar variation 1379269 (VCV001379269.6), dbSNP rs2142999219, ClinGen allele CA2573152755.
Genomic context (GRCh38, chr16:88,832,100, plus strand): 5'-CTCCCTCATCCCTCCTTCAAACGTGGTCTGCTTCCCACACAGAAAGGGGCCGTTGCTGCC[AC>A]CTGGGAGAGAGGGGCCCTTGTCAGGCCACTGGGACCAGATGTCCCCAGGCCCTCCCCCTC-3'